The following is an entry in ClinVar:

NM_000138.5(FBN1):c.2545A>G (p.Ile849Val)

Gene: FBN1 (fibrillin 1; minus strand). Cytogenetic location: 15q21.1.
Variant type: single nucleotide variant.
Coding change: c.2545A>G on transcript NM_000138.5 (MANE Select); coding-DNA position 2545, A replaced by G.
Protein change: p.Ile849Val; replaces isoleucine 849 with valine.
Molecular consequence: missense variant.
Genome position (GRCh38, 1-based): chr15:48,495,255, T>C on the plus strand (A>G on the coding strand, the complement: FBN1 is on the minus strand). VCF-style: chr15-48495255-T-C. GRCh37 (hg19) VCF-style: chr15-48787452-T-C.
Other names: short protein forms I849V.
Identifiers: ClinVar variation 1696093 (VCV001696093.3), dbSNP rs2043596507, ClinGen allele CA392332954.

ClinVar aggregate classification (germline): Uncertain significance. Review status: criteria provided, multiple submitters, no conflicts (2 of 4 stars). 3 submissions from 3 submitters: Uncertain significance (3). Last evaluated 2025-06-30.

Conditions:
Marfan syndrome (MFS). Also called: Marfan's syndrome; Marfan syndrome, classic; MARFAN SYNDROME, TYPE I; Marfan syndrome type 1; FBN1-Related Marfan Syndrome. Identifiers: Orphanet 284963, Orphanet 558, MedGen C0024796, MONDO:0007947, OMIM 154700.
Familial thoracic aortic aneurysm and aortic dissection (TAAD). Also called: Thoracic aortic aneurysms and dissections. Identifiers: Orphanet 91387, MedGen C4707243, MONDO:0019625.

Allele frequency attached by ClinVar (database versions not stated): TOPMed below 0.00001.
gnomAD v4.1: 28 of 1,614,108 alleles (0.0017%); highest among the groups gnomAD compares: Non-Finnish European, 0.0023%; no homozygotes.

Submissions (3):

Color Diagnostics, LLC DBA Color Health
Classification: Uncertain significance for Familial thoracic aortic aneurysm and aortic dissection. Last evaluated: 2025-06-30. Review status: criteria provided, single submitter. Criteria: ACMG Guidelines, 2015. Collection method: clinical testing. Allele origin: germline.
Comment: This missense variant replaces isoleucine with valine at codon 849 of the FBN1 protein. Computational prediction suggests that this variant may not impact protein structure and function. To our knowledge, functional studies have not been reported for this variant. This variant has not been reported in individuals affected with FBN1-related disorders in the literature. This variant has not been identified in the general population by the Genome Aggregation Database (gnomAD). The available evidence is insufficient to determine the role of this variant in disease conclusively. Therefore, this variant is classified as a Variant of Uncertain Significance.

Labcorp Genetics (formerly Invitae), Labcorp
Classification: Uncertain significance for Marfan syndrome; Familial thoracic aortic aneurysm and aortic dissection. Last evaluated: 2023-07-27. Review status: criteria provided, single submitter. Criteria: Invitae Variant Classification Sherloc (09022015). Collection method: clinical testing. Allele origin: germline.
Comment: This sequence change replaces isoleucine, which is neutral and non-polar, with valine, which is neutral and non-polar, at codon 849 of the FBN1 protein (p.Ile849Val). This variant is not present in population databases (gnomAD no frequency). This variant has not been reported in the literature in individuals affected with FBN1-related conditions. ClinVar contains an entry for this variant (Variation ID: 1696093). Advanced modeling of protein sequence and biophysical properties (such as structural, functional, and spatial information, amino acid conservation, physicochemical variation, residue mobility, and thermodynamic stability) performed at Invitae indicates that this missense variant is not expected to disrupt FBN1 protein function. In summary, the available evidence is currently insufficient to determine the role of this variant in disease. Therefore, it has been classified as a Variant of Uncertain Significance.

Women's Health and Genetics/Laboratory Corporation of America, LabCorp
Classification: Uncertain significance. Last evaluated: 2022-05-02. Review status: criteria provided, single submitter. Criteria: LabCorp Variant Classification Summary - May 2015. Collection method: clinical testing. Allele origin: germline.
Comment: Variant summary: FBN1 c.2545A>G (p.Ile849Val) results in a conservative amino acid change in the encoded protein sequence. Five of five in-silico tools predict a benign effect of the variant on protein function. The variant was absent in 251344 control chromosomes. The available data on variant occurrences in the general population are insufficient to allow any conclusion about variant significance. To our knowledge, no occurrence of c.2545A>G in individuals affected with Marfan Syndrome and no experimental evidence demonstrating its impact on protein function have been reported. No clinical diagnostic laboratories have submitted clinical-significance assessments for this variant to ClinVar after 2014. Based on the evidence outlined above, the variant was classified as uncertain significance.